The following is an entry in ClinVar:

ClinVar aggregate classification (germline): Uncertain significance (1 of 4 stars; one submission).

Submission:

Labcorp Genetics (formerly Invitae), Labcorp
Classification: Uncertain significance. Last evaluated: 2024-04-16. Review status: criteria provided, single submitter. Criteria: Invitae Variant Classification Sherloc (09022015). Collection method: clinical testing. Allele origin: germline.
Comment: This sequence change replaces serine, which is neutral and polar, with asparagine, which is neutral and polar, at codon 454 of the CARD8 protein (p.Ser454Asn). This variant is not present in population databases (gnomAD no frequency). This variant has not been reported in the literature in individuals affected with CARD8-related conditions. An algorithm developed to predict the effect of missense changes on protein structure and function (PolyPhen-2) suggests that this variant is likely to be tolerated. In summary, the available evidence is currently insufficient to determine the role of this variant in disease. Therefore, it has been classified as a Variant of Uncertain Significance.

NM_001184900.3(CARD8):c.1511G>A (p.Ser504Asn)

Gene: CARD8 (caspase recruitment domain family member 8; minus strand). Cytogenetic location: 19q13.33.
Variant type: single nucleotide variant.
Coding change: c.1511G>A on transcript NM_001184900.3 (MANE Select); coding-DNA position 1511, G replaced by A.
Protein change: p.Ser504Asn; replaces serine 504 with asparagine.
Molecular consequence: missense variant. On other transcripts: 3 prime UTR variant (7), non-coding transcript variant (3), intron variant (1).
Genome position (GRCh38, 1-based): chr19:48,211,813, C>T on the plus strand (G>A on the coding strand, the complement: CARD8 is on the minus strand). VCF-style: chr19-48211813-C-T. GRCh37 (hg19) VCF-style: chr19-48715070-C-T.
Other names: c.1361G>A, p.Ser454Asn (NM_001184901.1, NM_001351783.2, NM_014959.5); c.*190G>A (NM_001184902.2, NM_001184903.1, NM_001351788.2 and 4 more transcripts); c.1511G>A, p.Ser504Asn (NM_001351782.2); c.1196G>A, p.Ser399Asn (NM_001351784.2); c.1175G>A, p.Ser392Asn (NM_001351786.2); c.1193G>A, p.Ser398Asn (NM_001365950.1); c.1033+3527G>A (NM_001351787.2); short protein forms S392N, S399N, S398N, S504N, S454N.
Identifiers: ClinVar variation 3680280 (VCV003680280.2).
Genomic context (GRCh38, chr19:48,211,813, plus strand): 5'-CTTTCACTAATGCTTCTGAAGAGCACGTCCAGGGCCAGGTCCCCTTTCTTCTCCACCATG[C>T]TCAGCAAGGCCTCATTCTTGCTCTGCCGTGTCTTTTCCTGCTCCACCAGCTCCTTCTCAT-3'
Protein context (NP_001171829.1, residues 494-514): TRQSKNEALL[Ser504Asn]MVEKKGDLAL